The following is an entry in ClinVar:

ClinVar aggregate classification (germline): Uncertain significance. Review status: criteria provided, multiple submitters, no conflicts (2 of 4 stars). 3 submissions from 3 submitters: Uncertain significance (3). Last evaluated 2022-07-21.

Conditions:
Hereditary cancer-predisposing syndrome. Also called: Hereditary neoplastic syndrome; Tumor predisposition; Hereditary Cancer Syndrome; Neoplastic Syndromes, Hereditary. Identifiers: Orphanet 140162, MedGen C0027672, MeSH D009386, MONDO:0015356.
Microcephaly, normal intelligence and immunodeficiency (NBS). Also called: BERLIN BREAKAGE SYNDROME; SEEMANOVA SYNDROME II; Ataxia telangiectasia variant V1; IMMUNODEFICIENCY, MICROCEPHALY, AND CHROMOSOMAL INSTABILITY; Immunodeficiency, microcephaly with normal intelligence; Nijmegen breakage syndrome. Identifiers: Orphanet 647, MedGen C0398791, MONDO:0009623, OMIM 251260.

Submissions (3):

Ambry Genetics
Classification: Uncertain significance for Hereditary cancer-predisposing syndrome. Last evaluated: 2022-07-21. Review status: criteria provided, single submitter. Criteria: Ambry Variant Classification Scheme 2023. Collection method: clinical testing. Allele origin: germline.
Comment: The p.S410I variant (also known as c.1229G>T), located in coding exon 10 of the NBN gene, results from a G to T substitution at nucleotide position 1229. The serine at codon 410 is replaced by isoleucine, an amino acid with dissimilar properties. This amino acid position is not well conserved in available vertebrate species. In addition, this alteration is predicted to be tolerated by in silico analysis. Since supporting evidence is limited at this time, the clinical significance of this alteration remains unclear.

Genome-Nilou Lab
Classification: Uncertain significance for Microcephaly, normal intelligence and immunodeficiency. Last evaluated: 2021-11-07. Review status: criteria provided, single submitter. Criteria: ACMG Guidelines, 2015. Collection method: clinical testing. Allele origin: germline. Affected: no.

Labcorp Genetics (formerly Invitae), Labcorp
Classification: Uncertain significance for Microcephaly, normal intelligence and immunodeficiency. Last evaluated: 2020-11-10. Review status: criteria provided, single submitter. Criteria: Invitae Variant Classification Sherloc (09022015). Collection method: clinical testing. Allele origin: germline.
Comment: This sequence change replaces serine with isoleucine at codon 410 of the NBN protein (p.Ser410Ile). The serine residue is moderately conserved and there is a large physicochemical difference between serine and isoleucine. Algorithms developed to predict the effect of missense changes on protein structure and function (SIFT, PolyPhen-2, Align-GVGD) all suggest that this variant is likely to be tolerated, but these predictions have not been confirmed by published functional studies and their clinical significance is uncertain. In summary, the available evidence is currently insufficient to determine the role of this variant in disease. Therefore, it has been classified as a Variant of Uncertain Significance. This variant is not present in population databases (ExAC no frequency). This variant has not been reported in the literature in individuals with NBN-related disease.

NM_002485.5(NBN):c.1229G>T (p.Ser410Ile)

Gene: NBN (nibrin; minus strand). Cytogenetic location: 8q21.3.
Variant type: single nucleotide variant.
Coding change: c.1229G>T on transcript NM_002485.5 (MANE Select); coding-DNA position 1229, G replaced by T.
Protein change: p.Ser410Ile; replaces serine 410 with isoleucine.
Molecular consequence: missense variant.
Genome position (GRCh38, 1-based): chr8:89,955,451, C>A on the plus strand (G>T on the coding strand, the complement: NBN is on the minus strand). VCF-style: chr8-89955451-C-A. GRCh37 (hg19) VCF-style: chr8-90967679-C-A.
Other names: c.983G>T, p.Ser328Ile (NM_001024688.3); short protein forms S410I, S328I.
Identifiers: ClinVar variation 578036 (VCV000578036.15), dbSNP rs982325971, ClinGen allele CA371656312.
Genomic context (GRCh38, chr8:89,955,451, plus strand): 5'-TGATAGTTTGGGATTCTCATCTTAGCCAAAGTATTTGATACCATACTATTATTATTAGAG[C>A]TTGTTTTGCAGGACTCCTTTACAGTGGGTGCATCTTGTGAAAGCATTCTGAATTTTTGTT-3'
Protein context (NP_002476.2, residues 400-420): APTVKESCKT[Ser410Ile]SNNNSMVSNT